The following is an entry in ClinVar:

ClinVar aggregate classification (germline): Benign/Likely benign. Review status: criteria provided, multiple submitters, no conflicts (2 of 4 stars). 8 submissions from 8 submitters: Benign (4); Likely benign (3). 1 of the submissions does not count toward it. Last evaluated 2026-01-28.

Conditions:
Primary ciliary dyskinesia. Also called: Ciliary dyskinesia. Identifiers: Orphanet 244, MedGen C0008780, MONDO:0016575, HP:0012265.
Primary ciliary dyskinesia 3. Identifiers: Orphanet 244, MedGen C1837618, MONDO:0012085, OMIM 608644.

Allele frequency attached by ClinVar (database versions not stated): gnomAD exomes 0.00066; gnomAD 0.00744 and 0.00808; TOPMed 0.00838; 1000 Genomes Project 30x 0.00843; ESP Exome Variant Server 0.00853; 1000 Genomes Project 0.00879.
gnomAD v4.1: 2,121 of 1,614,178 alleles (0.13%); highest among the groups gnomAD compares: African/African-American, 2.5%; 27 homozygotes.

Submissions (8):

Labcorp Genetics (formerly Invitae), Labcorp
Classification: Benign for Primary ciliary dyskinesia. Last evaluated: 2026-01-28. Review status: criteria provided, single submitter. Criteria: Invitae Variant Classification Sherloc (09022015). Collection method: clinical testing. Allele origin: germline.

Illumina Laboratory Services, Illumina
Classification: Likely benign for Primary ciliary dyskinesia 3. Last evaluated: 2018-01-13. Review status: criteria provided, single submitter. Criteria: ICSL Variant Classification Criteria 13 December 2019. Collection method: clinical testing. Allele origin: germline.
Comment: This variant was observed in the ICSL laboratory as part of a predisposition screen in an ostensibly healthy population. It had not been previously curated by ICSL or reported in the Human Gene Mutation Database (HGMD: prior to June 1st, 2018), and was therefore a candidate for classification through an automated scoring system. Utilizing variant allele frequency, disease prevalence and penetrance estimates, and inheritance mode, an automated score was calculated to assess if this variant is too frequent to cause the disease. Based on the score and internal cut-off values, a variant classified as likely benign is not then subjected to further curation. The score for this variant resulted in a classification of likely benign for this disease.

Center for Pediatric Genomic Medicine, Children's Mercy Hospital and Clinics
Classification: Likely benign. Last evaluated: 2017-08-28. Review status: criteria provided, single submitter. Criteria: ACMG Guidelines, 2015. Collection method: clinical testing. Allele origin: germline.

Ambry Genetics
Classification: Benign for Primary ciliary dyskinesia. Last evaluated: 2015-07-30. Review status: criteria provided, single submitter. Criteria: Ambry Variant Classification Scheme 2023. Collection method: clinical testing. Allele origin: germline.

Laboratory for Molecular Medicine, Mass General Brigham Personalized Medicine
Classification: Benign. Last evaluated: 2013-02-21. Review status: criteria provided, single submitter. Criteria: LMM Criteria. Collection method: clinical testing. Allele origin: germline. Observed: 2 variant alleles.
Comment: Val2307Ile in exon 42 of DNAH5: This variant is not expected to have clinical si gnificance because it has been identified in 2.5% (111/4406) of African American chromosomes from a broad population by the NHLBI Exome Sequencing Project (dbSNP rs74604638).

Breakthrough Genomics
Classification: Likely benign. Review status: criteria provided, single submitter. Criteria: ACMG Guidelines, 2015. Collection method: not provided. Allele origin: germline. Inheritance: Autosomal recessive inheritance. Affected: yes.

PreventionGenetics, part of Exact Sciences
Classification: Benign. Review status: criteria provided, single submitter. Criteria: ACMG Guidelines, 2015. Collection method: clinical testing. Allele origin: germline.

Natera, Inc.
Classification: Benign for Primary ciliary dyskinesia. Last evaluated: 2019-12-07. Review status: no assertion criteria provided. Collection method: clinical testing. Allele origin: germline. Not counted in ClinVar's aggregate classification.

NM_001369.3(DNAH5):c.6919G>A (p.Val2307Ile)

Gene: DNAH5 (dynein axonemal heavy chain 5; minus strand). Cytogenetic location: 5p15.2.
Variant type: single nucleotide variant.
Coding change: c.6919G>A on transcript NM_001369.3 (MANE Select); coding-DNA position 6919, G replaced by A.
Protein change: p.Val2307Ile; replaces valine 2307 with isoleucine.
Molecular consequence: missense variant.
Genome position (GRCh38, 1-based): chr5:13,817,617, C>T on the plus strand (G>A on the coding strand, the complement: DNAH5 is on the minus strand). VCF-style: chr5-13817617-C-T. GRCh37 (hg19) VCF-style: chr5-13817726-C-T.
Other names: short protein forms V2307I.
Identifiers: ClinVar variation 226605 (VCV000226605.27), dbSNP rs74604638, ClinGen allele CA3203234.